The following is an entry in ClinVar:

ClinVar aggregate classification (germline): Pathogenic/Likely pathogenic. Review status: criteria provided, multiple submitters, no conflicts (2 of 4 stars). 2 submissions from 2 submitters: Pathogenic (1); Likely pathogenic (1). Last evaluated 2023-08-11.

Conditions:
Early-infantile DEE. Also called: Early infantile epileptic encephalopathy; Early infantile epileptic encephalopathy with suppression bursts; Ohtahara syndrome. Identifiers: Orphanet 1934, MedGen C0393706, MONDO:0800491.
Severe myoclonic epilepsy in infancy (DRVT). Also called: Dravet syndrome; Severe Myoclonic Epilepsy in Infancy (SMEI); Epileptic encephalopathy, early infantile, 6 (Dravet syndrome); SEVERE MYOCLONIC EPILEPSY OF INFANCY; DEVELOPMENTAL AND EPILEPTIC ENCEPHALOPATHY 6A. Identifiers: Orphanet 33069, MedGen C0751122, MONDO:0100135, OMIM 607208.

Submissions (2):

3billion
Classification: Likely pathogenic for Severe myoclonic epilepsy in infancy. Last evaluated: 2023-08-11. Review status: criteria provided, single submitter. Criteria: ACMG Guidelines, 2015. Collection method: clinical testing. Allele origin: germline. Affected: yes.
Comment: The variant is not observed in the gnomAD v2.1.1 dataset. Predicted Consequence/Location: Missense variant Functional studies provide supporting evidence of the variant having a damaging effect on the gene or gene product (PMID: 27458797). In silico tool predictions suggest damaging effect of the variant on gene or gene product [REVEL: 0.95 (>=0.6, sensitivity 0.68 and specificity 0.92); 3Cnet: 0.96 (>=0.6, sensitivity 0.72 and precision 0.9)]. Same nucleotide change resulting in same amino acid change has been previously reported as pathogenic/likely pathogenic with strong evidence (ClinVar ID: VCV002203183 /PMID: 18930999, 29573403). A different missense change at the same codon (p.Ser1328Ala) has been reported to be associated with SCN1A related disorder (ClinVar ID: VCV002026678). Therefore, this variant is classified as Likely pathogenic according to the recommendation of ACMG/AMP guideline.

Labcorp Genetics (formerly Invitae), Labcorp
Classification: Pathogenic for Early-infantile DEE. Last evaluated: 2022-06-07. Review status: criteria provided, single submitter. Criteria: Invitae Variant Classification Sherloc (09022015). Collection method: clinical testing. Allele origin: germline.
Comment: This sequence change replaces serine, which is neutral and polar, with proline, which is neutral and non-polar, at codon 1328 of the SCN1A protein (p.Ser1328Pro). This variant is not present in population databases (gnomAD no frequency). This missense change has been observed in individual(s) with Dravet syndrome and/or intractable epilepsy (PMID: 18930999, 23195492, 27458797, 29573403). Advanced modeling of protein sequence and biophysical properties (such as structural, functional, and spatial information, amino acid conservation, physicochemical variation, residue mobility, and thermodynamic stability) performed at Invitae indicates that this missense variant is expected to disrupt SCN1A protein function. Experimental studies have shown that this missense change affects SCN1A function (PMID: 27458797). For these reasons, this variant has been classified as Pathogenic.

Literature cited by the submitters: PubMed 18930999 (cited by 3billion and Labcorp Genetics (formerly Invitae), Labcorp); PubMed 27458797 (cited by 3billion and Labcorp Genetics (formerly Invitae), Labcorp); PubMed 23195492 (cited by Labcorp Genetics (formerly Invitae), Labcorp); PubMed 29573403 (cited by Labcorp Genetics (formerly Invitae), Labcorp).

NM_001165963.4(SCN1A):c.3982T>C (p.Ser1328Pro)

Genes: SCN1A (sodium voltage-gated channel alpha subunit 1; minus strand), LOC102724058 (uncharacterized LOC102724058; plus strand). Cytogenetic location: 2q24.3.
Variant type: single nucleotide variant.
Coding change: c.3982T>C on transcript NM_001165963.4 (MANE Select); coding-DNA position 3982, T replaced by C.
Protein change: p.Ser1328Pro; replaces serine 1328 with proline.
Molecular consequence: missense variant. On other transcripts: non-coding transcript variant (1).
Genome position (GRCh38, 1-based): chr2:166,009,739, A>G on the plus strand (T>C on the coding strand, the complement: SCN1A is on the minus strand). VCF-style: chr2-166009739-A-G. GRCh37 (hg19) VCF-style: chr2-166866249-A-G.
Other names: c.3898T>C, p.Ser1300Pro (NM_001165964.3, NM_001353957.2, NM_001353958.2); c.3982T>C, p.Ser1328Pro (NM_001202435.3, NM_001353948.2); c.3949T>C, p.Ser1317Pro (NM_001353949.2, NM_001353950.2, NM_001353951.2 and 2 more transcripts); c.3946T>C, p.Ser1316Pro (NM_001353954.2, NM_001353955.2); c.3895T>C, p.Ser1299Pro (NM_001353960.2); c.1540T>C, p.Ser514Pro (NM_001353961.2); short protein forms S1317P, S1328P, S1316P, S514P, S1299P, S1300P.
Identifiers: ClinVar variation 2203183 (VCV002203183.5), dbSNP rs2468493029, ClinGen allele CA349052944.